The following is an entry in ClinVar:

ClinVar aggregate classification (germline): Likely pathogenic. Review status: criteria provided, single submitter (1 of 4 stars). 2 submissions from 2 submitters: Likely pathogenic (1). 1 of the submissions does not count toward it. Last evaluated 2018-12-14.

Conditions:
Developmental and epileptic encephalopathy. Identifiers: MedGen C5779964, MONDO:0100620.
Developmental and epileptic encephalopathy 6B. Also called: Developmental and epileptic encephalopathy 6B, non-Dravet. Identifiers: MedGen C5543353, MONDO:0030268, OMIM 619317.

Submissions (2):

Labcorp Genetics (formerly Invitae), Labcorp
Classification: Likely pathogenic for Early infantile epileptic encephalopathy with suppression bursts. Last evaluated: 2018-12-14. Review status: criteria provided, single submitter. Criteria: Invitae Variant Classification Sherloc (09022015). Collection method: clinical testing. Allele origin: germline.
Comment: This sequence change replaces proline with serine at codon 1345 of the SCN1A protein (p.Pro1345Ser). The proline residue is highly conserved and there is a moderate physicochemical difference between proline and serine. This variant is not present in population databases (ExAC no frequency). This variant has been observed to be de novo in an individual affected with SCN1A-related disease (PMID:28794249, 23708187). Algorithms developed to predict the effect of missense changes on protein structure and function (SIFT, PolyPhen-2, Align-GVGD) all suggest that this variant is likely to be disruptive, but these predictions have not been confirmed by published functional studies and their clinical significance is uncertain. This variant disrupts the p.Pro1345 amino acid residue in SCN1A. Other variant(s) that disrupt this residue have been observed in individuals with SCN1A-related conditions (PMID: 26993267), which suggests that this may be a clinically significant amino acid residue. In summary, the currently available evidence indicates that the variant is pathogenic, but additional data are needed to prove that conclusively. Therefore, this variant has been classified as Likely Pathogenic.

OMIM
Classification: Pathogenic for DEVELOPMENTAL AND EPILEPTIC ENCEPHALOPATHY 6B. Last evaluated: 2021-05-17. Review status: no assertion criteria provided. Collection method: literature only. Allele origin: germline. Not counted in ClinVar's aggregate classification.

Literature cited by the submitters: PubMed 26993267 (cited by Labcorp Genetics (formerly Invitae), Labcorp); PubMed 28794249 (cited by Labcorp Genetics (formerly Invitae), Labcorp and OMIM); PubMed 23708187 (cited by Labcorp Genetics (formerly Invitae), Labcorp).

NM_001165963.4(SCN1A):c.4033C>T (p.Pro1345Ser)

Genes: SCN1A (sodium voltage-gated channel alpha subunit 1; minus strand), LOC102724058 (uncharacterized LOC102724058; plus strand). Cytogenetic location: 2q24.3.
Variant type: single nucleotide variant.
Coding change: c.4033C>T on transcript NM_001165963.4 (MANE Select); coding-DNA position 4033, C replaced by T.
Protein change: p.Pro1345Ser; replaces proline 1345 with serine.
Molecular consequence: missense variant. On other transcripts: non-coding transcript variant (1).
Genome position (GRCh38, 1-based): chr2:166,002,723, G>A on the plus strand (C>T on the coding strand, the complement: SCN1A is on the minus strand). VCF-style: chr2-166002723-G-A. GRCh37 (hg19) VCF-style: chr2-166859233-G-A.
Other names: c.3949C>T, p.Pro1317Ser (NM_001165964.3, NM_001353957.2, NM_001353958.2); c.4033C>T, p.Pro1345Ser (NM_001202435.3, NM_001353948.2); c.4000C>T, p.Pro1334Ser (NM_001353949.2, NM_001353950.2, NM_001353951.2 and 2 more transcripts); c.3997C>T, p.Pro1333Ser (NM_001353954.2, NM_001353955.2); c.3946C>T, p.Pro1316Ser (NM_001353960.2); c.1591C>T, p.Pro531Ser (NM_001353961.2); short protein forms P1316S, P1345S, P1317S, P1333S, P1334S, P531S.
Identifiers: ClinVar variation 657600 (VCV000657600.3), dbSNP rs1574006857, ClinGen allele CA349050761.
Genomic context (GRCh38, chr2:166,002,723, plus strand): 5'-CCATGATGCTGAAAATTAGCCAGAATATAAGACAAACCAGAAGCACATTCATGATGGATG[G>A]AATTGCTCCTAAAAGGGCATTCACAACCACCTAATACACAAATGGAAAAAAAGAAAAGTC-3'
Protein context (NP_001159435.1, residues 1335-1355): VVVNALLGAI[Pro1345Ser]SIMNVLLVCL